The following is an entry in ClinVar:

NM_001365276.2(TNXB):c.12512G>A (p.Arg4171His)

Genes: TNXB (tenascin XB; minus strand), LOC106780803 (tenascin XB recombination region; plus strand). Cytogenetic location: 6p21.33.
Variant type: single nucleotide variant.
Coding change: c.12512G>A on transcript NM_001365276.2 (MANE Select); coding-DNA position 12512, G replaced by A.
Protein change: p.Arg4171His; replaces arginine 4171 with histidine.
Molecular consequence: missense variant.
Genome position (GRCh38, 1-based): chr6:32,041,892, C>T on the plus strand (G>A on the coding strand, the complement: TNXB is on the minus strand). VCF-style: chr6-32041892-C-T. GRCh37 (hg19) VCF-style: chr6-32009669-C-T.
Other names: p.Arg4169His; c.12506G>A, p.Arg4169His (NM_019105.8); c.1799G>A, p.Arg600His (NM_032470.4); short protein forms R4169H, R600H, R4171H.
Identifiers: ClinVar variation 224352 (VCV000224352.8), dbSNP rs544604053, ClinGen allele CA3732790.
Genomic context (GRCh38, chr6:32,041,892, plus strand): 5'-CACCAGGCCCCTCGGTAGGAGACAGCGCAGGAGATGAGCAAGCTGTTGGGGTCCCGATCA[C>T]GGGCAGAGAAGACACTGCCGCTGTGGTAGCTCATGGAGTCCCCTGGGCAGGGTGGAGGAA-3'
Protein context (NP_001352205.1, residues 4161-4181): SYHSGSVFSA[Arg4171His]DRDPNSLLIS

ClinVar aggregate classification (germline): Conflicting classifications of pathogenicity. Review status: criteria provided, conflicting classifications (1 of 4 stars). 5 submissions from 5 submitters: Uncertain significance (1); Benign (2); Likely benign (2). Last evaluated 2026-07-01.

Conditions:
TNXB-related disorder. Also called: TNXB-related condition.
Vesicoureteral reflux 8 (VUR8). Identifiers: Orphanet 289365, MedGen C4014831, MONDO:0014422, OMIM 615963.

Allele frequency attached by ClinVar (database versions not stated): ExAC 0.00044; gnomAD exomes 0.00124; gnomAD 0.00413 and 0.00415; 1000 Genomes Project 0.00559; 1000 Genomes Project 30x 0.00781.
gnomAD v4.1: 791 of 694,652 alleles (0.11%); highest among the groups gnomAD compares: African/African-American, 1.4%; 21 homozygotes.

Submissions (5):

CeGaT Center for Human Genetics Tuebingen
Classification: Benign. Last evaluated: 2026-07-01. Review status: criteria provided, single submitter. Criteria: CeGaT Center For Human Genetics Tuebingen Variant Classification Criteria Version 2. Collection method: clinical testing. Allele origin: germline. Affected: yes. Observed: 1 variant allele.
Comment: TNXB: BS1, BS2

Mayo Clinic Laboratories, Mayo Clinic
Classification: Benign. Last evaluated: 2025-06-03. Review status: criteria provided, single submitter. Criteria: ACMG Guidelines, 2015. Collection method: clinical testing. Allele origin: germline. Observed: 2 variant alleles.
Comment: BS1, BS2, BP4

PreventionGenetics, part of Exact Sciences
Classification: Likely benign for TNXB-related condition. Last evaluated: 2025-02-11. Review status: criteria provided, single submitter. Criteria: ACMG Guidelines, 2015. Collection method: clinical testing. Allele origin: germline.
Comment: This variant is classified as likely benign based on ACMG/AMP sequence variant interpretation guidelines (Richards et al. 2015 PMID: 25741868, with internal and published modifications).

GeneDx
Classification: Likely benign. Last evaluated: 2018-11-20. Review status: criteria provided, single submitter. Criteria: GeneDx Variant Classification Process June 2021. Collection method: clinical testing. Allele origin: germline. Affected: yes.

Lupski Lab, Baylor-Hopkins CMG, Baylor College of Medicine
Classification: Uncertain significance for Vesicoureteral reflux 8. Review status: criteria provided, single submitter. Criteria: Bekheirnia et al. (Genet Med. 2016). Collection method: research. Allele origin: unknown. Inheritance: Autosomal dominant inheritance. Affected: yes. Observed: 1 heterozygote.